The following is an entry in ClinVar:

NM_001845.6(COL4A1):c.1263C>T (p.Pro421=)

Gene: COL4A1 (collagen type IV alpha 1 chain; minus strand). Cytogenetic location: 13q34.
Variant type: single nucleotide variant.
Coding change: c.1263C>T on transcript NM_001845.6 (MANE Select); coding-DNA position 1263, C replaced by T.
Protein change: p.Pro421=; no amino-acid change (proline 421 retained).
Molecular consequence: synonymous variant.
Genome position (GRCh38, 1-based): chr13:110,198,489, G>A on the plus strand (C>T on the coding strand, the complement: COL4A1 is on the minus strand). VCF-style: chr13-110198489-G-A. GRCh37 (hg19) VCF-style: chr13-110850836-G-A.
Other names: c.1263C>T, p.Pro421= (NM_001303110.2).
Identifiers: ClinVar variation 2856294 (VCV002856294.11), dbSNP rs372894395, ClinGen allele CA7048012.

ClinVar aggregate classification (germline): Likely benign. Review status: criteria provided, multiple submitters, no conflicts (2 of 4 stars). 2 submissions from 2 submitters: Likely benign (2). Last evaluated 2025-07-01.

Allele frequency attached by ClinVar (database versions not stated): ExAC 0.00001; gnomAD 0.00001; gnomAD exomes 0.00002; TOPMed 0.00002; ESP Exome Variant Server 0.00008.
gnomAD v4.1: 28 of 1,613,248 alleles (0.0017%); highest among the groups gnomAD compares: Non-Finnish European, 0.0023%; no homozygotes.

Submissions (2):

CeGaT Center for Human Genetics Tuebingen
Classification: Likely benign. Last evaluated: 2025-07-01. Review status: criteria provided, single submitter. Criteria: CeGaT Center For Human Genetics Tuebingen Variant Classification Criteria Version 2. Collection method: clinical testing. Allele origin: germline. Affected: yes. Observed: 1 variant allele.
Comment: COL4A1: BP4, BP7

Labcorp Genetics (formerly Invitae), Labcorp
Classification: Likely benign. Last evaluated: 2025-03-17. Review status: criteria provided, single submitter. Criteria: Invitae Variant Classification Sherloc (09022015). Collection method: clinical testing. Allele origin: germline.